The following is an entry in ClinVar:

ClinVar aggregate classification (germline): Uncertain significance (1 of 4 stars; one submission).

Conditions:
Cardiovascular phenotype. Identifiers: MedGen CN230736.

gnomAD v4.1: 3 of 1,614,026 alleles (0.00019%); highest among the groups gnomAD compares: Non-Finnish European, 0.00017%; no homozygotes.

Submission:

Ambry Genetics
Classification: Uncertain significance for Cardiovascular phenotype. Last evaluated: 2024-09-05. Review status: criteria provided, single submitter. Criteria: Ambry Variant Classification Scheme 2023. Collection method: clinical testing. Allele origin: germline.
Comment: The c.818+4G>C intronic variant results from a G to C substitution 4 nucleotides after coding exon 7 in the APOB gene. This nucleotide position is not well conserved in available vertebrate species. In silico splice site analysis for this alteration is inconclusive. Based on the available evidence, the clinical significance of this variant remains unclear.

NM_000384.3(APOB):c.818+4G>C

Gene: APOB (apolipoprotein B; minus strand). Cytogenetic location: 2p24.1.
Variant type: single nucleotide variant.
Coding change: c.818+4G>C on transcript NM_000384.3 (MANE Select); 4 bases into the intron after coding-DNA position 818, G replaced by C.
Molecular consequence: intron variant.
Genome position (GRCh38, 1-based): chr2:21,035,580, C>G on the plus strand (G>C on the coding strand, the complement: APOB is on the minus strand). VCF-style: chr2-21035580-C-G. GRCh37 (hg19) VCF-style: chr2-21258452-C-G.
Identifiers: ClinVar variation 3415185 (VCV003415185.1).